The following is an entry in ClinVar:

ClinVar aggregate classification (germline): Benign. Review status: criteria provided, multiple submitters, no conflicts (2 of 4 stars). 9 submissions from 4 submitters: Benign (9). Last evaluated 2025-04-17.

Conditions:
Aniridia 1 (AN1). Identifiers: Orphanet 250923, MedGen C0344542, MONDO:0024507, OMIM 106210.
Irido-corneo-trabecular dysgenesis (ASGD5). Also called: ANTERIOR SEGMENT DYSGENESIS 5. Identifiers: Orphanet 708, MedGen C0344559, MONDO:0011414, OMIM 604229, HP:0000659.
Autosomal dominant keratitis. Also called: Keratitis, hereditary. Identifiers: Orphanet 2334, MedGen C1835698, MONDO:0007848, OMIM 148190.
carboxymethyl-dextran-A2-gadolinium-DOTA.
Anophthalmia-microphthalmia syndrome. Also called: Anophthalmia/Microphthalmia; Anophthalmia - microphthalmia. Identifiers: Orphanet 98555, MedGen C5680330, MONDO:0020147.
11p partial monosomy syndrome (WAGR). Also called: WAGR Spectrum Disorder; WAGR syndrome; WAGR Complex; CHROMOSOME 11p13 DELETION SYNDROME. Identifiers: Orphanet 893, MedGen C0206115, MONDO:0008681, OMIM 194072.
Foveal hypoplasia 1. Also called: FOVEAL HYPOPLASIA 1 WITH OR WITHOUT ANTERIOR SEGMENT ANOMALIES AND/OR CATARACT; FOVEAL HYPOPLASIA 1 WITH ANTERIOR SEGMENT ANOMALIES. Identifiers: Orphanet 2253, MedGen C3805604, MONDO:0007628, OMIM 136520.

Allele frequency attached by ClinVar (database versions not stated): 1000 Genomes Project 0.17332; 1000 Genomes Project 30x 0.17864; gnomAD 0.14646 and 0.14929; gnomAD exomes 0.09619; TOPMed 0.16178.
gnomAD v4.1: 30,038 of 232,834 alleles (13%); highest among the groups gnomAD compares: African/African-American, 30%; 2,906 homozygotes.

Submissions (9):

Labcorp Genetics (formerly Invitae), Labcorp
Classification: Benign for Aniridia 1; Irido-corneo-trabecular dysgenesis. Last evaluated: 2025-04-17. Review status: criteria provided, single submitter. Criteria: Invitae Variant Classification Sherloc (09022015). Collection method: clinical testing. Allele origin: germline.

GeneDx
Classification: Benign. Last evaluated: 2021-05-14. Review status: criteria provided, single submitter. Criteria: GeneDx Variant Classification Process June 2021. Collection method: clinical testing. Allele origin: germline. Affected: yes.
Comment: This variant is associated with the following publications: (PMID: 21421876, 22447870)

Illumina Laboratory Services, Illumina
Classification: Benign for Autosomal dominant keratitis. Last evaluated: 2018-01-13. Review status: criteria provided, single submitter. Criteria: ICSL Variant Classification Criteria 13 December 2019. Collection method: clinical testing. Allele origin: germline.
Comment: This variant was observed in the ICSL laboratory as part of a predisposition screen in an ostensibly healthy population. It had not been previously curated by ICSL or reported in the Human Gene Mutation Database (HGMD: prior to June 1st, 2018), and was therefore a candidate for classification through an automated scoring system. Utilizing variant allele frequency, disease prevalence and penetrance estimates, and inheritance mode, an automated score was calculated to assess if this variant is too frequent to cause the disease. Based on the score and internal cut-off values, a variant classified as benign is not then subjected to further curation. The score for this variant resulted in a classification of benign for this disease.

Illumina Laboratory Services, Illumina
Classification: Benign for Aniridia 1. Last evaluated: 2018-01-13. Review status: criteria provided, single submitter. Criteria: ICSL Variant Classification Criteria 13 December 2019. Collection method: clinical testing. Allele origin: germline.
Comment: the same text as in the submission from Illumina Laboratory Services, Illumina above.

Illumina Laboratory Services, Illumina
Classification: Benign for Foveal hypoplasia 1. Last evaluated: 2018-01-13. Review status: criteria provided, single submitter. Criteria: ICSL Variant Classification Criteria 13 December 2019. Collection method: clinical testing. Allele origin: germline.
Comment: the same text as in the submission from Illumina Laboratory Services, Illumina above.

Illumina Laboratory Services, Illumina
Classification: Benign for Anophthalmia-microphthalmia syndrome. Last evaluated: 2018-01-13. Review status: criteria provided, single submitter. Criteria: ICSL Variant Classification Criteria 13 December 2019. Collection method: clinical testing. Allele origin: germline.
Comment: the same text as in the submission from Illumina Laboratory Services, Illumina above.

Illumina Laboratory Services, Illumina
Classification: Benign for carboxymethyl-dextran-A2-gadolinium-DOTA. Last evaluated: 2018-01-13. Review status: criteria provided, single submitter. Criteria: ICSL Variant Classification Criteria 13 December 2019. Collection method: clinical testing. Allele origin: germline.
Comment: the same text as in the submission from Illumina Laboratory Services, Illumina above.

Illumina Laboratory Services, Illumina
Classification: Benign for Wilms tumor, aniridia, genitourinary anomalies, and mental retardation syndrome. Last evaluated: 2018-01-13. Review status: criteria provided, single submitter. Criteria: ICSL Variant Classification Criteria 13 December 2019. Collection method: clinical testing. Allele origin: germline.
Comment: the same text as in the submission from Illumina Laboratory Services, Illumina above.

Breakthrough Genomics
Classification: Benign. Review status: criteria provided, single submitter. Criteria: ACMG Guidelines, 2015. Collection method: not provided. Allele origin: germline. Inheritance: Autosomal dominant inheritance. Affected: yes.

NC_000011.10:g.31787522C>T

Genes: ELP4 (elongator acetyltransferase complex subunit 4; plus strand), PAX6 (paired box 6; minus strand). Cytogenetic location: 11p13.
Variant type: single nucleotide variant.
Molecular consequence: 3 prime UTR variant (on NM_019040.5).
Genome position: GRCh38 VCF-style: chr11-31787522-C-T. GRCh37 (hg19) VCF-style: chr11-31809070-C-T.
Other names: c.*4093C>T (NM_001288726.2); c.*3998C>T (NM_019040.5); c.*3984C>T (NM_001288725.2).
Identifiers: ClinVar variation 304328 (VCV000304328.19), dbSNP rs662702, ClinGen allele CA10634573.